The following is an entry in ClinVar:

NM_004004.6(GJB2):c.146C>T (p.Ala49Val)

Gene: GJB2 (gap junction protein beta 2; minus strand). Cytogenetic location: 13q12.11.
Variant type: single nucleotide variant.
Coding change: c.146C>T on transcript NM_004004.6 (MANE Select); coding-DNA position 146, C replaced by T.
Protein change: p.Ala49Val; replaces alanine 49 with valine.
Molecular consequence: missense variant.
Genome position (GRCh38, 1-based): chr13:20,189,436, G>A on the plus strand (C>T on the coding strand, the complement: GJB2 is on the minus strand). VCF-style: chr13-20189436-G-A. GRCh37 (hg19) VCF-style: chr13-20763575-G-A.
Other names: short protein forms A49V.
Identifiers: ClinVar variation 372771 (VCV000372771.8), dbSNP rs1057517976, ClinGen allele CA16042821.

ClinVar aggregate classification (germline): Conflicting classifications of pathogenicity. Review status: criteria provided, conflicting classifications (1 of 4 stars). 5 submissions from 5 submitters: Uncertain significance (2); Likely benign (1). 2 of the submissions do not count toward it. Last evaluated 2024-11-20.

Conditions:
Autosomal recessive nonsyndromic hearing loss 1A (DFNB1A). Also called: Connexin 26 deafness; Deafness nonsyndromic, Connexin 26 linked; GJB6-Related DFNB 1 Nonsyndromic Hearing Loss and Deafness; Deafness, autosomal recessive 1A; Nonsyndromic Hearing Loss and Deafness, DFNB1; GJB2-Related Autosomal Recessive Nonsyndromic Hearing Loss. Identifiers: Orphanet 90636, MedGen C2673759, MONDO:0009076, OMIM 220290.

Allele frequency attached by ClinVar (database versions not stated): gnomAD 0.00001; gnomAD exomes 0.00001; TOPMed 0.00001.
gnomAD v4.1: 12 of 1,612,232 alleles (0.00074%); highest among the groups gnomAD compares: East Asian, 0.025%; no homozygotes.

Submissions (5):

Labcorp Genetics (formerly Invitae), Labcorp
Classification: Uncertain significance. Last evaluated: 2024-11-20. Review status: criteria provided, single submitter. Criteria: Invitae Variant Classification Sherloc (09022015). Collection method: clinical testing. Allele origin: germline.
Comment: This sequence change replaces alanine, which is neutral and non-polar, with valine, which is neutral and non-polar, at codon 49 of the GJB2 protein (p.Ala49Val). This variant is not present in population databases (gnomAD no frequency). This missense change has been observed in individual(s) with hearing loss (PMID: 12560944, 20497192, 25788563). ClinVar contains an entry for this variant (Variation ID: 372771). Invitae Evidence Modeling of protein sequence and biophysical properties (such as structural, functional, and spatial information, amino acid conservation, physicochemical variation, residue mobility, and thermodynamic stability) indicates that this missense variant is expected to disrupt GJB2 protein function with a positive predictive value of 95%. In summary, the available evidence is currently insufficient to determine the role of this variant in disease. Therefore, it has been classified as a Variant of Uncertain Significance.

Women's Health and Genetics/Laboratory Corporation of America, LabCorp
Classification: Likely benign. Last evaluated: 2023-06-22. Review status: criteria provided, single submitter. Criteria: LabCorp Variant Classification Summary - May 2015. Collection method: clinical testing. Allele origin: germline.
Comment: Variant summary: GJB2 c.146C>T (p.Ala49Val) results in a non-conservative amino acid change located in the Connexin, N-terminal (IPR013092) of the encoded protein sequence. Four of five in-silico tools predict a damaging effect of the variant on protein function. The variant allele was found at a frequency of 8.5e-05 in 328300 control chromosomes, predominantly at a frequency of 0.00036 within the Japanese subpopulation (no homozygotes; gnomAD and jMorp databases; Tadaka_2021). The observed variant frequency is approximately 1.1 fold of the estimated maximal expected allele frequency for a pathogenic variant in GJB2 causing Non-Syndromic Hearing Loss (3.4e-04), strongly suggesting that the variant is benign. c.146C>T has been reported in the literature in individuals affected with Hearing Loss (e.g., Ohtsuka_2003, Tsudaka_2010, Nishio_2015), however withouth strong evidence for causality in all cases (e.g., lack of co-segregation and co-occurrence data). These reports do not provide unequivocal conclusions about association of the variant with Non-Syndromic Hearing Loss. To our knowledge, no experimental evidence demonstrating an impact on protein function has been reported. The following publications have been ascertained in the context of this evaluation (PMID: 25788563, 12560944, 20497192, 33179747). Three submitters have reported clinical-significance assessments for this variant to ClinVar after 2014, and all submitters classified the variant as uncertain significance. Based on the evidence outlined above, the variant was classified as likely benign.

GeneDx
Classification: Uncertain significance. Last evaluated: 2016-12-06. Review status: criteria provided, single submitter. Criteria: GeneDx Variant Classification (06012015). Collection method: clinical testing. Allele origin: germline. Affected: yes.
Comment: The A49V variant in the GJB2 gene has been reported previously in the heterozygous state and also in the presence of another GJB2 variant in Japanese individuals with hearing loss (Ohtsuka et al., 2003; Tsukada et al., 2010), although no family history or other clinical information was reported. The A49V variant was not observed in approximately 6500 individuals of European and African American ancestry in the NHLBI Exome Sequencing Project, indicating it is not a common benign variant in these populations. The A49V variant is a conservative amino acid substitution, which is not likely to impact secondary protein structure as these residues share similar properties. This substitution occurs at a position that is conserved in mammals. In silico analysis is inconsistent in its predictions as to whether or not the variant is damaging to the protein structure/function. Therefore, we interpret A49V as a variant of uncertain significance.

Natera, Inc.
Classification: Uncertain significance for Autosomal recessive deafness type 1A. Last evaluated: 2020-12-07. Review status: no assertion criteria provided. Collection method: clinical testing. Allele origin: germline. Not counted in ClinVar's aggregate classification.

Counsyl
Classification: Uncertain significance for Autosomal recessive nonsyndromic hearing loss 1A. Last evaluated: 2017-03-29. Review status: no assertion criteria provided. Collection method: clinical testing. Allele origin: unknown. Not counted in ClinVar's aggregate classification.

Literature cited by the submitters: PubMed 12560944 (cited by 3 submitters); PubMed 20497192 (cited by Labcorp Genetics (formerly Invitae), Labcorp and Women's Health and Genetics/Laboratory Corporation of America, LabCorp); PubMed 25788563 (cited by Labcorp Genetics (formerly Invitae), Labcorp and Women's Health and Genetics/Laboratory Corporation of America, LabCorp); PubMed 33179747 (cited by Women's Health and Genetics/Laboratory Corporation of America, LabCorp); PubMed 25388846 (cited by Counsyl).